The following is an entry in ClinVar:

NM_182961.4(SYNE1):c.8285C>A (p.Pro2762Gln)

Gene: SYNE1 (spectrin repeat containing nuclear envelope protein 1; minus strand). Cytogenetic location: 6q25.2.
Variant type: single nucleotide variant.
Coding change: c.8285C>A on transcript NM_182961.4 (MANE Select); coding-DNA position 8285, C replaced by A.
Protein change: p.Pro2762Gln; replaces proline 2762 with glutamine.
Molecular consequence: missense variant.
Genome position (GRCh38, 1-based): chr6:152,387,274, G>T on the plus strand (C>A on the coding strand, the complement: SYNE1 is on the minus strand). VCF-style: chr6-152387274-G-T. GRCh37 (hg19) VCF-style: chr6-152708409-G-T.
Other names: c.8306C>A, p.Pro2769Gln (NM_033071.5); short protein forms P2762Q, P2769Q.
Identifiers: ClinVar variation 1954101 (VCV001954101.5), dbSNP rs2492480393, ClinGen allele CA366146835.

ClinVar aggregate classification (germline): Uncertain significance (1 of 4 stars; one submission).

Conditions:
Emery-Dreifuss muscular dystrophy 4, autosomal dominant (EDMD4). Also called: EMERY-DREIFUSS MUSCULAR DYSTROPHY 4 WITH VARIABLE FEATURES. Identifiers: Orphanet 261, MedGen C2751807, MONDO:0013071, OMIM 612998.
Autosomal recessive ataxia, Beauce type. Also called: SYNE1 Deficiency; Spinocerebellar ataxia, autosomal recessive 8; ATAXIA, RECESSIVE, OF BEAUCE; SYNE1-Related Autosomal Recessive Cerebellar Ataxia. Identifiers: Orphanet 88644, MedGen C1853116, MONDO:0012549, OMIM 610743.

Allele frequency attached by ClinVar (database versions not stated): gnomAD exomes below 0.00001.
gnomAD v4.1: 1 of 1,614,192 alleles (0.000062%); highest among the groups gnomAD compares: African/African-American, 0.0013%; no homozygotes.

Submission:

Labcorp Genetics (formerly Invitae), Labcorp
Classification: Uncertain significance for Emery-Dreifuss muscular dystrophy 4, autosomal dominant; Autosomal recessive ataxia, Beauce type. Last evaluated: 2024-08-28. Review status: criteria provided, single submitter. Criteria: Invitae Variant Classification Sherloc (09022015). Collection method: clinical testing. Allele origin: germline.
Comment: This sequence change replaces proline, which is neutral and non-polar, with glutamine, which is neutral and polar, at codon 2769 of the SYNE1 protein (p.Pro2769Gln). This variant is not present in population databases (gnomAD no frequency). This variant has not been reported in the literature in individuals affected with SYNE1-related conditions. ClinVar contains an entry for this variant (Variation ID: 1954101). An algorithm developed to predict the effect of missense changes on protein structure and function (PolyPhen-2) suggests that this variant is likely to be tolerated. In summary, the available evidence is currently insufficient to determine the role of this variant in disease. Therefore, it has been classified as a Variant of Uncertain Significance.